The following is an entry in ClinVar:

NM_004655.4(AXIN2):c.1081G>C (p.Glu361Gln)

Gene: AXIN2 (axin 2; minus strand). Cytogenetic location: 17q24.1.
Variant type: single nucleotide variant.
Coding change: c.1081G>C on transcript NM_004655.4 (MANE Select); coding-DNA position 1081, G replaced by C.
Protein change: p.Glu361Gln; replaces glutamic acid 361 with glutamine.
Molecular consequence: missense variant.
Genome position (GRCh38, 1-based): chr17:65,538,322, C>G on the plus strand (G>C on the coding strand, the complement: AXIN2 is on the minus strand). VCF-style: chr17-65538322-C-G. GRCh37 (hg19) VCF-style: chr17-63534440-C-G.
Other names: c.1081G>C, p.Glu361Gln (NM_001363813.1); short protein forms E361Q.
Identifiers: ClinVar variation 5032579 (VCV005032579.1).

ClinVar aggregate classification (germline): Uncertain significance (1 of 4 stars; one submission).

Conditions:
Hereditary cancer-predisposing syndrome. Also called: Neoplastic Syndromes, Hereditary; Tumor predisposition; Hereditary neoplastic syndrome; Hereditary Cancer Syndrome. Identifiers: Orphanet 140162, MedGen C0027672, MeSH D009386, MONDO:0015356.

Submission:

Ambry Genetics
Classification: Uncertain significance for Hereditary cancer-predisposing syndrome. Last evaluated: 2026-07-06. Review status: criteria provided, single submitter. Criteria: Ambry Variant Classification Scheme 2023. Collection method: clinical testing. Allele origin: germline.
Comment: The p.E361Q variant (also known as c.1081G>C), located in coding exon 4 of the AXIN2 gene, results from a G to C substitution at nucleotide position 1081. The glutamic acid at codon 361 is replaced by glutamine, an amino acid with highly similar properties. This amino acid position is conserved. In addition, the in silico prediction for this alteration is inconclusive. Based on the available evidence, the clinical significance of this variant remains unclear.